The following is an entry in ClinVar:

ClinVar aggregate classification (germline): Uncertain significance (1 of 4 stars; one submission).

gnomAD v4.1: 3 of 1,535,786 alleles (0.0002%); highest among the groups gnomAD compares: African/African-American, 0.0041%; no homozygotes.

Submission:

Labcorp Genetics (formerly Invitae), Labcorp
Classification: Uncertain significance. Last evaluated: 2025-06-01. Review status: criteria provided, single submitter. Criteria: Invitae Variant Classification Sherloc (09022015). Collection method: clinical testing. Allele origin: germline.
Comment: This sequence change replaces glycine, which is neutral and non-polar, with arginine, which is basic and polar, at codon 77 of the CARD8 protein (p.Gly77Arg). This variant is present in population databases (no rsID available, gnomAD 0.004%). This variant has not been reported in the literature in individuals affected with CARD8-related conditions. An algorithm developed to predict the effect of missense changes on protein structure and function outputs the following: PolyPhen-2: "Benign". The arginine amino acid residue is found in multiple mammalian species, which suggests that this missense change does not adversely affect protein function. In summary, the available evidence is currently insufficient to determine the role of this variant in disease. Therefore, it has been classified as a Variant of Uncertain Significance.

NM_001184900.3(CARD8):c.379G>A (p.Gly127Arg)

Gene: CARD8 (caspase recruitment domain family member 8; minus strand). Cytogenetic location: 19q13.33.
Variant type: single nucleotide variant.
Coding change: c.379G>A on transcript NM_001184900.3 (MANE Select); coding-DNA position 379, G replaced by A.
Protein change: p.Gly127Arg; replaces glycine 127 with arginine.
Molecular consequence: missense variant. On other transcripts: intron variant (6).
Genome position (GRCh38, 1-based): chr19:48,232,465, C>T on the plus strand (G>A on the coding strand, the complement: CARD8 is on the minus strand). VCF-style: chr19-48232465-C-T. GRCh37 (hg19) VCF-style: chr19-48735722-C-T.
Other names: c.229G>A, p.Gly77Arg (NM_001184901.1, NM_001351783.2, NM_001351788.2 and 2 more transcripts); c.379G>A, p.Gly127Arg (NM_001184902.2, NM_001184903.1, NM_001351782.2); c.43G>A, p.Gly15Arg (NM_001351786.2); c.77-655G>A (NM_001351787.2, NM_001351791.2, NM_001351792.2 and 2 more transcripts); c.149-655G>A (NM_001351790.2); short protein forms G127R, G15R, G77R.
Identifiers: ClinVar variation 4772963 (VCV004772963.1).
Genomic context (GRCh38, chr19:48,232,465, plus strand): 5'-TTCCATCAATCCACACGCCCTTCACTCCTCTCCCTATTAGCCCATTACCTGAATCTTGTC[C>T]CTCTGAAGATTCCTGCTCTTCTGATACACTGGAGGTTGGGATCCCCATGTTACAAAAAGA-3'
Protein context (NP_001171829.1, residues 117-137): SVSEEQESSE[Gly127Arg]QDSGDICSEE